The following is an entry in ClinVar:

ClinVar aggregate classification (germline): Uncertain significance. Review status: criteria provided, multiple submitters, no conflicts (2 of 4 stars). 3 submissions from 3 submitters: Uncertain significance (2). 1 of the submissions does not count toward it. Last evaluated 2024-11-13.

Conditions:
Bardet-Biedl syndrome (BBS). Identifiers: Orphanet 110, MedGen C0752166, MONDO:0015229.
WDPCP-related disorder. Also called: WDPCP-related condition.

Allele frequency attached by ClinVar (database versions not stated): ExAC 0.00001; gnomAD exomes 0.00002 and 0.00014; gnomAD 0.00007 and 0.00008; TOPMed 0.00008.
gnomAD v4.1: 218 of 1,612,688 alleles (0.014%); highest among the groups gnomAD compares: Non-Finnish European, 0.017%; no homozygotes.

Submissions (3):

Labcorp Genetics (formerly Invitae), Labcorp
Classification: Uncertain significance for Bardet-Biedl syndrome. Last evaluated: 2024-11-13. Review status: criteria provided, single submitter. Criteria: Invitae Variant Classification Sherloc (09022015). Collection method: clinical testing. Allele origin: germline.
Comment: This sequence change replaces aspartic acid, which is acidic and polar, with asparagine, which is neutral and polar, at codon 630 of the WDPCP protein (p.Asp630Asn). This variant is present in population databases (rs760742250, gnomAD 0.004%). This missense change has been observed in individual(s) with WDPCP-related conditions (PMID: 32483926). ClinVar contains an entry for this variant (Variation ID: 1509934). Invitae Evidence Modeling of protein sequence and biophysical properties (such as structural, functional, and spatial information, amino acid conservation, physicochemical variation, residue mobility, and thermodynamic stability) indicates that this missense variant is not expected to disrupt WDPCP protein function with a negative predictive value of 80%. In summary, the available evidence is currently insufficient to determine the role of this variant in disease. Therefore, it has been classified as a Variant of Uncertain Significance.

Blueprint Genetics
Classification: Uncertain significance. Last evaluated: 2023-10-02. Review status: criteria provided, single submitter. Criteria: ACMG Guidelines, 2015. Collection method: clinical testing. Allele origin: germline.

PreventionGenetics, part of Exact Sciences
Classification: Uncertain significance for WDPCP-related condition. Last evaluated: 2024-03-05. Review status: no assertion criteria provided. Collection method: clinical testing. Allele origin: germline. Not counted in ClinVar's aggregate classification.
Comment: The WDPCP c.1888G>A variant is predicted to result in the amino acid substitution p.Asp630Asn. This variant was documented in a single blind patient, but zygosity was not listed, and it was classified as a variant of uncertain significance (Diñeiro et al. 2020. PubMed ID: 32483926). This variant is reported in 0.0041% of alleles in individuals of African descent in gnomAD. At this time, the clinical significance of this variant is uncertain due to the absence of conclusive functional and genetic evidence.

Literature cited by the submitters: PubMed 32483926 (cited by Labcorp Genetics (formerly Invitae), Labcorp).

NM_015910.7(WDPCP):c.1888G>A (p.Asp630Asn)

Gene: WDPCP (WD repeat containing planar cell polarity effector; minus strand). Cytogenetic location: 2p15.
Variant type: single nucleotide variant.
Coding change: c.1888G>A on transcript NM_015910.7 (MANE Select); coding-DNA position 1888, G replaced by A.
Protein change: p.Asp630Asn; replaces aspartic acid 630 with asparagine.
Molecular consequence: missense variant. On other transcripts: non-coding transcript variant (2).
Genome position (GRCh38, 1-based): chr2:63,259,334, C>T on the plus strand (G>A on the coding strand, the complement: WDPCP is on the minus strand). VCF-style: chr2-63259334-C-T. GRCh37 (hg19) VCF-style: chr2-63486469-C-T.
Other names: c.1888G>A (NM_015910.5); c.1411G>A, p.Asp471Asn (NM_001042692.3); c.1816G>A, p.Asp606Asn (NM_001354044.2); short protein forms D471N, D630N, D606N.
Identifiers: ClinVar variation 1509934 (VCV001509934.6), dbSNP rs760742250, ClinGen allele CA1682074.